The following is an entry in ClinVar:

NM_001365536.1(SCN9A):c.559C>A (p.Pro187Thr)

Gene: SCN9A (sodium voltage-gated channel alpha subunit 9; minus strand). Cytogenetic location: 2q24.3.
Variant type: single nucleotide variant.
Coding change: c.559C>A on transcript NM_001365536.1 (MANE Select); coding-DNA position 559, C replaced by A.
Protein change: p.Pro187Thr; replaces proline 187 with threonine.
Molecular consequence: missense variant.
Genome position (GRCh38, 1-based): chr2:166,305,829, G>T on the plus strand (C>A on the coding strand, the complement: SCN9A is on the minus strand). VCF-style: chr2-166305829-G-T. GRCh37 (hg19) VCF-style: chr2-167162339-G-T.
Other names: c.559C>A, p.Pro187Thr (NM_002977.4); short protein forms P187T.
Identifiers: ClinVar variation 945600 (VCV000945600.47), dbSNP rs774694132, ClinGen allele CA1944764.

ClinVar aggregate classification (germline): Uncertain significance. Review status: criteria provided, multiple submitters, no conflicts (2 of 4 stars). 3 submissions from 3 submitters: Uncertain significance (3). Last evaluated 2024-10-16.

Conditions:
Generalized epilepsy with febrile seizures plus, type 7 (GEFSP7). Also called: GEFS+, TYPE 7. Identifiers: Orphanet 36387, MedGen C2751778, MONDO:0013470, OMIM 613863.
Neuropathy, hereditary sensory and autonomic, type 2A (HSAN2A). Also called: WNK1-Related HSAN2 (HSAN2A); HSAN IIA; MORVAN DISEASE; NEUROPATHY, CONGENITAL SENSORY; NEUROPATHY, HEREDITARY SENSORY RADICULAR, AUTOSOMAL RECESSIVE; NEUROPATHY, HEREDITARY SENSORY, TYPE IIA. Identifiers: Orphanet 970, MedGen C2752089, MONDO:0024309, OMIM 201300.

Allele frequency attached by ClinVar (database versions not stated): gnomAD exomes below 0.00001; TOPMed below 0.00001; ExAC 0.00001.
gnomAD v4.1: 9 of 1,613,158 alleles (0.00056%); highest among the groups gnomAD compares: Non-Finnish European, 0.00076%; no homozygotes.

Submissions (3):

Blueprint Genetics
Classification: Uncertain significance. Last evaluated: 2024-10-16. Review status: criteria provided, single submitter. Criteria: ACMG Guidelines, 2015. Collection method: clinical testing. Allele origin: germline.

Labcorp Genetics (formerly Invitae), Labcorp
Classification: Uncertain significance for Neuropathy, hereditary sensory and autonomic, type 2A; Generalized epilepsy with febrile seizures plus, type 7. Last evaluated: 2024-02-19. Review status: criteria provided, single submitter. Criteria: Invitae Variant Classification Sherloc (09022015). Collection method: clinical testing. Allele origin: germline.
Comment: This sequence change replaces proline, which is neutral and non-polar, with threonine, which is neutral and polar, at codon 187 of the SCN9A protein (p.Pro187Thr). This variant is present in population databases (rs774694132, gnomAD 0.0009%). This variant has not been reported in the literature in individuals affected with SCN9A-related conditions. ClinVar contains an entry for this variant (Variation ID: 945600). Advanced modeling of protein sequence and biophysical properties (such as structural, functional, and spatial information, amino acid conservation, physicochemical variation, residue mobility, and thermodynamic stability) has been performed at Invitae for this missense variant, however the output from this modeling did not meet the statistical confidence thresholds required to predict the impact of this variant on SCN9A protein function. In summary, the available evidence is currently insufficient to determine the role of this variant in disease. Therefore, it has been classified as a Variant of Uncertain Significance.

CeGaT Center for Human Genetics Tuebingen
Classification: Uncertain significance. Last evaluated: 2020-10-01. Review status: criteria provided, single submitter. Criteria: CeGaT Center For Human Genetics Tuebingen Variant Classification Criteria Version 2. Collection method: clinical testing. Allele origin: germline. Affected: yes. Observed: 1 variant allele.